The following is an entry in ClinVar:

NM_015981.4(CAMK2A):c.485A>T (p.Glu162Val)

Gene: CAMK2A (calcium/calmodulin dependent protein kinase II alpha; minus strand). Cytogenetic location: 5q32.
Variant type: single nucleotide variant.
Coding change: c.485A>T on transcript NM_015981.4 (MANE Select); coding-DNA position 485, A replaced by T.
Protein change: p.Glu162Val; replaces glutamic acid 162 with valine.
Molecular consequence: missense variant.
Genome position (GRCh38, 1-based): chr5:150,253,473, T>A on the plus strand (A>T on the coding strand, the complement: CAMK2A is on the minus strand). VCF-style: chr5-150253473-T-A. GRCh37 (hg19) VCF-style: chr5-149633036-T-A.
Other names: c.485A>T, p.Glu162Val (NM_001363989.1, NM_001363990.1, NM_001369025.2 and 1 more transcripts); short protein forms E162V.
Identifiers: ClinVar variation 3360416 (VCV003360416.1).

ClinVar aggregate classification (germline): Uncertain significance (1 of 4 stars; one submission).

Submission:

GeneDx
Classification: Uncertain significance. Last evaluated: 2023-07-05. Review status: criteria provided, single submitter. Criteria: GeneDx Variant Classification Process June 2021. Collection method: clinical testing. Allele origin: germline. Affected: yes.
Comment: Not observed at significant frequency in large population cohorts (gnomAD); In silico analysis supports that this missense variant has a deleterious effect on protein structure/function; Has not been previously published as pathogenic or benign to our knowledge